The following is an entry in ClinVar:

ClinVar aggregate classification (germline): Uncertain significance (1 of 4 stars; one submission).

Conditions:
Granulomatous disease, chronic, autosomal recessive, cytochrome b-positive, type 2. Also called: Chronic granulomatous disease due to deficiency of NCF-2; Chronic Granulomatous Disease, Autosomal Recessive, Cytochrome b-Positive, Type II; CGD, AUTOSOMAL RECESSIVE CYTOCHROME b-POSITIVE, TYPE II; GRANULOMATOUS DISEASE, CHRONIC, DUE TO NCF2 DEFICIENCY; GRANULOMATOUS DISEASE, CHRONIC, AUTOSOMAL RECESSIVE, 2. Identifiers: Orphanet 379, MedGen C1856245, MONDO:0009310, OMIM 233710.

gnomAD v4.1: 12 of 1,614,204 alleles (0.00074%); highest among the groups gnomAD compares: Non-Finnish European, 0.00085%; no homozygotes.

Submission:

Labcorp Genetics (formerly Invitae), Labcorp
Classification: Uncertain significance for Granulomatous disease, chronic, autosomal recessive, cytochrome b-positive, type 2. Last evaluated: 2022-09-08. Review status: criteria provided, single submitter. Criteria: Invitae Variant Classification Sherloc (09022015). Collection method: clinical testing. Allele origin: germline.
Comment: This sequence change replaces threonine, which is neutral and polar, with lysine, which is basic and polar, at codon 148 of the NCF2 protein (p.Thr148Lys). This variant is present in population databases (rs764142541, gnomAD no frequency). This variant has not been reported in the literature in individuals affected with NCF2-related conditions. ClinVar contains an entry for this variant (Variation ID: 1522953). Algorithms developed to predict the effect of missense changes on protein structure and function (SIFT, PolyPhen-2, Align-GVGD) all suggest that this variant is likely to be tolerated. In summary, the available evidence is currently insufficient to determine the role of this variant in disease. Therefore, it has been classified as a Variant of Uncertain Significance.

NM_000433.4(NCF2):c.443C>A (p.Thr148Lys)

Gene: NCF2 (neutrophil cytosolic factor 2; minus strand). Cytogenetic location: 1q25.3.
Variant type: single nucleotide variant.
Coding change: c.443C>A on transcript NM_000433.4 (MANE Select); coding-DNA position 443, C replaced by A.
Protein change: p.Thr148Lys; replaces threonine 148 with lysine.
Molecular consequence: missense variant. On other transcripts: intron variant (2).
Genome position (GRCh38, 1-based): chr1:183,574,545, G>T on the plus strand (C>A on the coding strand, the complement: NCF2 is on the minus strand). VCF-style: chr1-183574545-G-T. GRCh37 (hg19) VCF-style: chr1-183543680-G-T.
Other names: c.443C>A, p.Thr148Lys (NM_001127651.3); c.366+3054C>A (NM_001190789.2); c.367-1253C>A (NM_001190794.2); short protein forms T148K.
Identifiers: ClinVar variation 1522953 (VCV001522953.5), dbSNP rs764142541, ClinGen allele CA33983169.
Genomic context (GRCh38, chr1:183,574,545, plus strand): 5'-ACCCAGACACACTCCATCGCCTTGTCGATTTTGGAATGTCTGGGCTCAGACTTCATGCTC[G>T]TGGCCAATGCTAACTGTTCTTCAGCTTTTTTCCATTCCTCCTTCTTGGCATACATGAAAG-3'
Protein context (NP_000424.2, residues 138-158): KKAEEQLALA[Thr148Lys]SMKSEPRHSK